The following is an entry in ClinVar:

NM_000143.4(FH):c.535G>T (p.Asp179Tyr)

Gene: FH (fumarate hydratase; minus strand). Cytogenetic location: 1q43.
Variant type: single nucleotide variant.
Coding change: c.535G>T on transcript NM_000143.4 (MANE Select); coding-DNA position 535, G replaced by T.
Protein change: p.Asp179Tyr; replaces aspartic acid 179 with tyrosine.
Molecular consequence: missense variant.
Genome position (GRCh38, 1-based): chr1:241,511,987, C>A on the plus strand (G>T on the coding strand, the complement: FH is on the minus strand). VCF-style: chr1-241511987-C-A. GRCh37 (hg19) VCF-style: chr1-241675287-C-A.
Other names: short protein forms D179Y.
Identifiers: ClinVar variation 1034993 (VCV001034993.9), dbSNP rs1553341588, ClinGen allele CA345439885.
Genomic context (GRCh38, chr1:241,511,987, plus strand): 5'-TCAATTTATAACCAAAAAACAGCAAAGCTCACATACTGACCTGGCTTTTATTAACATGAT[C>A]GTTGGGATGCACAGGTATCTTGCTGCCAAGTTCACCTCCTAACATTTCAATTGCTCTATT-3'
Protein context (NP_000134.2, residues 169-189): LGSKIPVHPN[Asp179Tyr]HVNKSQSSND

ClinVar aggregate classification (germline): Uncertain significance (1 of 4 stars; one submission).

Submission:

Labcorp Genetics (formerly Invitae), Labcorp
Classification: Uncertain significance. Last evaluated: 2022-07-06. Review status: criteria provided, single submitter. Criteria: Invitae Variant Classification Sherloc (09022015). Collection method: clinical testing. Allele origin: germline.
Comment: This sequence change replaces aspartic acid, which is acidic and polar, with tyrosine, which is neutral and polar, at codon 179 of the FH protein (p.Asp179Tyr). This variant is not present in population databases (gnomAD no frequency). This variant has not been reported in the literature in individuals affected with FH-related conditions. ClinVar contains an entry for this variant (Variation ID: 1034993). Advanced modeling of protein sequence and biophysical properties (such as structural, functional, and spatial information, amino acid conservation, physicochemical variation, residue mobility, and thermodynamic stability) performed at Invitae indicates that this missense variant is expected to disrupt FH protein function. In summary, the available evidence is currently insufficient to determine the role of this variant in disease. Therefore, it has been classified as a Variant of Uncertain Significance.